The following is an entry in ClinVar:

ClinVar aggregate classification (germline): Uncertain significance (1 of 4 stars; one submission).

Submission:

Labcorp Genetics (formerly Invitae), Labcorp
Classification: Uncertain significance. Last evaluated: 2022-09-02. Review status: criteria provided, single submitter. Criteria: Invitae Variant Classification Sherloc (09022015). Collection method: clinical testing. Allele origin: germline.
Comment: In summary, the available evidence is currently insufficient to determine the role of this variant in disease. Therefore, it has been classified as a Variant of Uncertain Significance. Advanced modeling of protein sequence and biophysical properties (such as structural, functional, and spatial information, amino acid conservation, physicochemical variation, residue mobility, and thermodynamic stability) performed at Invitae indicates that this missense variant is not expected to disrupt TWNK protein function. This variant has not been reported in the literature in individuals affected with TWNK-related conditions. This variant is not present in population databases (gnomAD no frequency). This sequence change replaces glycine, which is neutral and non-polar, with alanine, which is neutral and non-polar, at codon 23 of the TWNK protein (p.Gly23Ala).

NM_021830.5(TWNK):c.68G>C (p.Gly23Ala)

Gene: TWNK (twinkle mtDNA helicase; plus strand). Cytogenetic location: 10q24.31.
Variant type: single nucleotide variant.
Coding change: c.68G>C on transcript NM_021830.5 (MANE Select); coding-DNA position 68, G replaced by C.
Protein change: p.Gly23Ala; replaces glycine 23 with alanine.
Molecular consequence: missense variant. On other transcripts: non-coding transcript variant (4), intron variant (3).
Genome position (GRCh38, 1-based): chr10:100,988,278, G>C. VCF-style: chr10-100988278-G-C. GRCh37 (hg19) VCF-style: chr10-102748035-G-C.
Other names: c.68G>C, p.Gly23Ala (NM_001163812.2); c.-120+665G>C (NM_001163814.2, NM_001163813.2); c.-58+665G>C (NM_001368275.1); short protein forms G23A.
Identifiers: ClinVar variation 2028553 (VCV002028553.4), dbSNP rs2493625671, ClinGen allele CA378205876.